The following is an entry in ClinVar:

NM_004369.4(COL6A3):c.4795T>C (p.Phe1599Leu)

Gene: COL6A3 (collagen type VI alpha 3 chain; minus strand). Cytogenetic location: 2q37.3.
Variant type: single nucleotide variant.
Coding change: c.4795T>C on transcript NM_004369.4 (MANE Select); coding-DNA position 4795, T replaced by C.
Protein change: p.Phe1599Leu; replaces phenylalanine 1599 with leucine.
Molecular consequence: missense variant.
Genome position (GRCh38, 1-based): chr2:237,368,668, A>G on the plus strand (T>C on the coding strand, the complement: COL6A3 is on the minus strand). VCF-style: chr2-237368668-A-G. GRCh37 (hg19) VCF-style: chr2-238277311-A-G.
Other names: c.4795T>C (NM_004369.3); c.2974T>C, p.Phe992Leu (NM_057166.5); c.4177T>C, p.Phe1393Leu (NM_057167.4); short protein forms F1599L, F992L, F1393L.
Identifiers: ClinVar variation 1521229 (VCV001521229.6), dbSNP rs911848582, ClinGen allele CA67816162.

ClinVar aggregate classification (germline): Uncertain significance. Review status: criteria provided, multiple submitters, no conflicts (2 of 4 stars). 2 submissions from 2 submitters: Uncertain significance (2). Last evaluated 2025-07-01.

Conditions:
Bethlem myopathy 1A. Also called: MYOPATHY, BENIGN CONGENITAL, WITH CONTRACTURES; Bethlem myopathy 1; Bethlem Muscular Dystrophy. Identifiers: Orphanet 610, MedGen CN029274, MONDO:0024530, OMIM 158810.

Allele frequency attached by ClinVar (database versions not stated): gnomAD exomes below 0.00001; gnomAD 0.00001; TOPMed 0.00001.
gnomAD v4.1: 5 of 1,613,480 alleles (0.00031%); highest among the groups gnomAD compares: African/African-American, 0.0027%; no homozygotes.

Submissions (2):

Labcorp Genetics (formerly Invitae), Labcorp
Classification: Uncertain significance for Bethlem myopathy 1A. Last evaluated: 2025-07-01. Review status: criteria provided, single submitter. Criteria: Invitae Variant Classification Sherloc (09022015). Collection method: clinical testing. Allele origin: germline.
Comment: This sequence change replaces phenylalanine, which is neutral and non-polar, with leucine, which is neutral and non-polar, at codon 1599 of the COL6A3 protein (p.Phe1599Leu). This variant is present in population databases (no rsID available, gnomAD 0.007%). This variant has not been reported in the literature in individuals affected with COL6A3-related conditions. ClinVar contains an entry for this variant (Variation ID: 1521229). Invitae Evidence Modeling of protein sequence and biophysical properties (such as structural, functional, and spatial information, amino acid conservation, physicochemical variation, residue mobility, and thermodynamic stability) indicates that this missense variant is not expected to disrupt COL6A3 protein function with a negative predictive value of 80%. In summary, the available evidence is currently insufficient to determine the role of this variant in disease. Therefore, it has been classified as a Variant of Uncertain Significance.

GeneDx
Classification: Uncertain significance. Last evaluated: 2022-11-30. Review status: criteria provided, single submitter. Criteria: GeneDx Variant Classification Process June 2021. Collection method: clinical testing. Allele origin: germline. Affected: yes.
Comment: Not observed at significant frequency in large population cohorts (gnomAD); In silico analysis supports that this missense variant has a deleterious effect on protein structure/function; Has not been previously published as pathogenic or benign to our knowledge